The following is an entry in ClinVar:

NM_018063.5(HELLS):c.1972-1G>A

Gene: HELLS (helicase, lymphoid specific; plus strand). Cytogenetic location: 10q23.33.
Variant type: single nucleotide variant.
Coding change: c.1972-1G>A on transcript NM_018063.5 (MANE Select); the canonical splice acceptor site of the intron before coding-DNA position 1972, G replaced by A.
Molecular consequence: splice acceptor variant.
Genome position (GRCh38, 1-based): chr10:94,593,498, G>A. VCF-style: chr10-94593498-G-A. GRCh37 (hg19) VCF-style: chr10-96353255-G-A.
Other names: c.1600-1G>A (NM_001289071.2); c.2110-1G>A (NM_001289067.2); c.754-1G>A (NM_001289075.2); c.1678-1G>A (NM_001289070.2); c.889-1G>A (NM_001289074.2); c.1876-1G>A (NM_001289069.2); c.1582-1G>A (NM_001289072.2); c.1558-1G>A (NM_001289073.2); and 1 more.
Identifiers: ClinVar variation 2006780 (VCV002006780.4), dbSNP rs1490579507, ClinGen allele CA377667401.

ClinVar aggregate classification (germline): Likely pathogenic (1 of 4 stars; one submission).

Submission:

Labcorp Genetics (formerly Invitae), Labcorp
Classification: Likely pathogenic. Last evaluated: 2022-09-29. Review status: criteria provided, single submitter. Criteria: Invitae Variant Classification Sherloc (09022015). Collection method: clinical testing. Allele origin: germline.
Comment: Algorithms developed to predict the effect of sequence changes on RNA splicing suggest that this variant may disrupt the consensus splice site. This variant has not been reported in the literature in individuals affected with HELLS-related conditions. This variant is not present in population databases (gnomAD no frequency). This sequence change affects an acceptor splice site in intron 17 of the HELLS gene. It is expected to disrupt RNA splicing. Variants that disrupt the donor or acceptor splice site typically lead to a loss of protein function (PMID: 16199547), and loss-of-function variants in HELLS are known to be pathogenic (PMID: 26216346). In summary, the currently available evidence indicates that the variant is pathogenic, but additional data are needed to prove that conclusively. Therefore, this variant has been classified as Likely Pathogenic.

Literature cited by the submitters: PubMed 16199547; PubMed 26216346.